The following is an entry in ClinVar:

NM_000071.3(CBS):c.216del (p.Lys72fs)

Gene: CBS (cystathionine beta-synthase; minus strand). Cytogenetic location: 21q22.3.
Variant type: Deletion.
Coding change: c.216del on transcript NM_000071.3 (MANE Select); coding-DNA position 216, one base deleted (A; older notation c.216delA).
Protein change: p.Lys72fs; shifts the reading frame from lysine 72.
Molecular consequence: frameshift variant.
Genome position (GRCh38, 1-based): chr21:43,068,609, T deleted on the plus strand (A on the coding strand, the reverse complement: CBS is on the minus strand); the first of 4 consecutive T bases (chr21:43,068,609-43,068,612); deleting any one gives the same sequence. VCF-style (leftmost placement, unchanged base first): chr21-43068608-AT-A. GRCh37 (hg19) VCF-style: chr21-44488718-AT-A.
Other names: c.216del, p.Lys72fs (NM_001178008.3, NM_001178009.3, NM_001320298.2); short protein forms K72fs.
Identifiers: ClinVar variation 5006422 (VCV005006422.2).
Genomic context (GRCh38, chr21:43,068,608, plus strand): 5'-TGATTCTGACCATAGGGGTGTCCCCGATTTTCTTCAGAATATCTGGCAAGATTTTTGGAG[AT>A]TTTGCCCTGAAACAGAGGAGTCCACAATTATTCAGGAAAAAAAAAAAAAATAGTACCAGC-3'

ClinVar aggregate classification (germline): Likely pathogenic (1 of 4 stars; one submission).

Conditions:
Classic homocystinuria. Also called: HOMOCYSTINURIA WITH OR WITHOUT RESPONSE TO PYRIDOXINE; Homocystinuria due to Cystathionine Beta-Synthase Deficiency; Homocystinuria due to CBS deficiency; Cystathionine beta-synthase deficiency; CBS deficiency. Identifiers: Orphanet 394, MedGen C0751202, MONDO:0009352, OMIM 236200.

Submission:

Juno Genomics, Hangzhou Juno Genomics, Inc
Classification: Likely pathogenic for Classic homocystinuria. Review status: criteria provided, single submitter. Criteria: ACMG Guidelines, 2015. Collection method: clinical testing. Allele origin: germline.
Comment: Null variant in a gene where loss of function (LOF) is a known mechanism of disease.;Absent from controls (or at extremely low frequency if recessive) in Genome Aggregation Database.